The following is an entry in ClinVar:

ClinVar aggregate classification (germline): Likely benign (1 of 4 stars; one submission).

Submission:

CeGaT Center for Human Genetics Tuebingen
Classification: Likely benign. Last evaluated: 2024-10-01. Review status: criteria provided, single submitter. Criteria: CeGaT Center For Human Genetics Tuebingen Variant Classification Criteria Version 2. Collection method: clinical testing. Allele origin: germline. Affected: yes. Observed: 1 variant allele.
Comment: CAD: PM2:Supporting, BP4, BP7

NM_004341.5(CAD):c.267A>G (p.Gly89=)

Gene: CAD (carbamoyl-phosphate synthetase 2, aspartate transcarbamylase, and dihydroorotase; plus strand). Cytogenetic location: 2p23.3.
Variant type: single nucleotide variant.
Coding change: c.267A>G on transcript NM_004341.5 (MANE Select); coding-DNA position 267, A replaced by G.
Protein change: p.Gly89=; no amino-acid change (glycine 89 retained).
Molecular consequence: synonymous variant.
Genome position (GRCh38, 1-based): chr2:27,221,262, A>G. VCF-style: chr2-27221262-A-G. GRCh37 (hg19) VCF-style: chr2-27444130-A-G.
Other names: c.267A>G, p.Gly89= (NM_001306079.2).
Identifiers: ClinVar variation 3389980 (VCV003389980.14).